The following is an entry in ClinVar:

ClinVar aggregate classification (germline): Likely pathogenic (1 of 4 stars; one submission).

Conditions:
Farber lipogranulomatosis (FRBRL). Also called: AC DEFICIENCY; ACID CERAMIDASE DEFICIENCY; CERAMIDASE DEFICIENCY; N-LAURYLSPHINGOSINE DEACYLASE DEFICIENCY; Farber's lipogranulomatosis; Farber's disease. Identifiers: Orphanet 333, MedGen C0268255, MONDO:0009218, OMIM 228000.

Allele frequency attached by ClinVar (database versions not stated): gnomAD exomes below 0.00001 and 0.00001; TOPMed below 0.00001; gnomAD 0.00001; ExAC 0.00002.
gnomAD v4.1: 7 of 1,613,968 alleles (0.00043%); highest among the groups gnomAD compares: South Asian, 0.0022%; no homozygotes.

Submission:

Medical Affairs, Dicerna Pharmaceuticals
Classification: Likely pathogenic for Farber lipogranulomatosis. Last evaluated: 2019-06-19. Review status: criteria provided, single submitter. Criteria: ACMG Guidelines, 2015. Collection method: literature only. Allele origin: maternal. Inheritance: Autosomal recessive inheritance. Affected: yes. Observed: 1 variant allele.
Comment: Variant c.538G>A is likely pathogenic. The patient described in Bashyam et al., 2014, doi: 10.1111/cge.12316 was diagnosed with Farber disease characteristic of Type 1 Farber disease discussed in Gene Reviews. Protein structural analysis was predicted using HANSA software. Variant c.538G>A substitution is predicted to result in abolishing H-bonds that alters the catalytic site structure of the acid ceramidase enzyme.

Literature cited by the submitters: DOI 10.1111/cge.12316.

NM_177924.5(ASAH1):c.538G>A (p.Glu180Lys)

Gene: ASAH1 (N-acylsphingosine amidohydrolase 1; minus strand). Cytogenetic location: 8p22.
Variant type: single nucleotide variant.
Coding change: c.538G>A on transcript NM_177924.5 (MANE Select); coding-DNA position 538, G replaced by A.
Protein change: p.Glu180Lys; replaces glutamic acid 180 with lysine.
Molecular consequence: missense variant.
Genome position (GRCh38, 1-based): chr8:18,062,389, C>T on the plus strand (G>A on the coding strand, the complement: ASAH1 is on the minus strand). VCF-style: chr8-18062389-C-T. GRCh37 (hg19) VCF-style: chr8-17919898-C-T.
Other names: c.520G>A, p.Glu174Lys (NM_001127505.3); c.343G>A, p.Glu115Lys (NM_001363743.2); c.586G>A, p.Glu196Lys (NM_004315.6); short protein forms E115K, E180K, E196K, E174K.
Identifiers: ClinVar variation 812483 (VCV000812483.1), dbSNP rs762756953, ClinGen allele CA4650788.